The following is an entry in ClinVar:

NM_031935.3(HMCN1):c.15634A>T (p.Ser5212Cys)

Gene: HMCN1 (hemicentin 1; plus strand). Cytogenetic location: 1q31.1.
Variant type: single nucleotide variant.
Coding change: c.15634A>T on transcript NM_031935.3 (MANE Select); coding-DNA position 15634, A replaced by T.
Protein change: p.Ser5212Cys; replaces serine 5212 with cysteine.
Molecular consequence: missense variant.
Genome position (GRCh38, 1-based): chr1:186,171,396, A>T. VCF-style: chr1-186171396-A-T. GRCh37 (hg19) VCF-style: chr1-186140528-A-T.
Other names: short protein forms S5212C.
Identifiers: ClinVar variation 2976858 (VCV002976858.3), dbSNP rs1652222672, ClinGen allele CA343932850.
Genomic context (GRCh38, chr1:186,171,396, plus strand): 5'-GATATTAATGAATGTCAAGAATCCAGCCCCTGTCACCAGCGCTGTTTCAATGCCATAGGA[A>T]GTTTCCATTGTGGATGTGAACCTGGGTATCAGCTCAAAGGCAGAAAATGCATGGGTAAGA-3'
Protein context (NP_114141.2, residues 5202-5222): CHQRCFNAIG[Ser5212Cys]FHCGCEPGYQ

ClinVar aggregate classification (germline): Uncertain significance (1 of 4 stars; one submission).

Allele frequency attached by ClinVar (database versions not stated): gnomAD 0.00001; TOPMed 0.00001.
gnomAD v4.1: 25 of 1,613,500 alleles (0.0015%); highest among the groups gnomAD compares: Non-Finnish European, 0.0019%; no homozygotes.

Submission:

Labcorp Genetics (formerly Invitae), Labcorp
Classification: Uncertain significance. Last evaluated: 2022-10-31. Review status: criteria provided, single submitter. Criteria: Invitae Variant Classification Sherloc (09022015). Collection method: clinical testing. Allele origin: germline.
Comment: Algorithms developed to predict the effect of missense changes on protein structure and function (SIFT, PolyPhen-2, Align-GVGD) all suggest that this variant is likely to be disruptive. This variant has not been reported in the literature in individuals affected with HMCN1-related conditions. This variant is not present in population databases (gnomAD no frequency). This sequence change replaces serine, which is neutral and polar, with cysteine, which is neutral and slightly polar, at codon 5212 of the HMCN1 protein (p.Ser5212Cys). In summary, the available evidence is currently insufficient to determine the role of this variant in disease. Therefore, it has been classified as a Variant of Uncertain Significance.